The following is an entry in ClinVar:

ClinVar aggregate classification (germline): Likely benign (1 of 4 stars; one submission).

Submission:

Women's Health and Genetics/Laboratory Corporation of America, LabCorp
Classification: Likely benign. Last evaluated: 2025-12-01. Review status: criteria provided, single submitter. Criteria: LabCorp Variant Classification Summary - May 2015. Collection method: clinical testing. Allele origin: germline.
Comment: Variant summary: The variant involves the duplication of exons 1-4 in the ISCA2 gene. This duplication includes the entire coding sequence of the gene. As exact breakpoints are unknown, it may extend beyond the annotated region of the gene, to include other flanking genes. A presumed nomenclature of c.(?_-11)_(*2107_?)dup has been designated for the purposes of this classification. A similar duplication (size: ~5,500 bp) which encompasses the ISCA2 gene (and also includes the first exon of the NPC2 gene) was found at a frequency of 0.0022 in 21048 control chromosomes, predominantly within the European, East Asian and Admixed American subpopulations, with allele frequencies 0.0031-0.0052 in the gnomAD database (Structural Variants v2.1 dataset). The observed variant frequencies in control individuals in the gnomAD database exceed the estimated maximal expected allele frequency for disease-causing variants in ISCA2. To our knowledge, no occurrence of c.(?_-11)_(*2107_?)dup in individuals affected with ISCA2-related conditions and no experimental evidence demonstrating its impact on protein function have been reported. No submitters have cited clinical-significance assessments for this variant to ClinVar. Based on the evidence outlined above, the variant was classified as likely benign.

NC_000014.8:g.(?_74960467)_(74963810_?)dup

Gene: ISCA2 (iron-sulfur cluster assembly 2; plus strand). Cytogenetic location: 14q24.3.
Variant type: Duplication.
Identifiers: ClinVar variation 4688690 (VCV004688690.1).